The following is an entry in ClinVar:

NM_022081.6(HPS4):c.1883G>A (p.Arg628His)

Gene: HPS4 (HPS4 biogenesis of lysosomal organelles complex 3 subunit 2; minus strand). Cytogenetic location: 22q12.1.
Variant type: single nucleotide variant.
Coding change: c.1883G>A on transcript NM_022081.6 (MANE Select); coding-DNA position 1883, G replaced by A.
Protein change: p.Arg628His; replaces arginine 628 with histidine.
Molecular consequence: missense variant. On other transcripts: non-coding transcript variant (8), intron variant (2).
Genome position (GRCh38, 1-based): chr22:26,457,931, C>T on the plus strand (G>A on the coding strand, the complement: HPS4 is on the minus strand). VCF-style: chr22-26457931-C-T. GRCh37 (hg19) VCF-style: chr22-26853897-C-T.
Other names: c.1883G>A (NM_022081.4); c.1883G>A, p.Arg628His (NM_001349896.1, NM_001349898.2, NM_001349899.2 and 2 more transcripts); c.1937G>A, p.Arg646His (NM_001349900.2, NM_001349901.1); c.1868G>A, p.Arg623His (NM_152841.2); c.1714-4527G>A (NM_001349902.1, NM_001349903.2); short protein forms R628H, R623H, R646H.
Identifiers: ClinVar variation 287655 (VCV000287655.27), dbSNP rs78892693, ClinGen allele CA10163169.

ClinVar aggregate classification (germline): Conflicting classifications of pathogenicity. Review status: criteria provided, conflicting classifications (1 of 4 stars). 8 submissions from 8 submitters: Uncertain significance (1); Benign (1); Likely benign (5). 1 of the submissions does not count toward it. Last evaluated 2026-02-01.

Conditions:
Inborn genetic diseases. Identifiers: MedGen C0950123, MeSH D030342.
Hermansky-Pudlak syndrome 4 (HPS4). Identifiers: Orphanet 231500, Orphanet 79430, MedGen C3484357, MONDO:0013556, OMIM 614073.

Allele frequency attached by ClinVar (database versions not stated): gnomAD exomes 0.00027 and 0.00075; ExAC 0.00083; gnomAD 0.00242 and 0.00257; TOPMed 0.00259; 1000 Genomes Project 0.00300; ESP Exome Variant Server 0.00346; 1000 Genomes Project 30x 0.00359.

Submissions (8):

Labcorp Genetics (formerly Invitae), Labcorp
Classification: Likely benign. Last evaluated: 2026-02-01. Review status: criteria provided, single submitter. Criteria: Invitae Variant Classification Sherloc (09022015). Collection method: clinical testing. Allele origin: germline.

Blueprint Genetics
Classification: Likely benign. Last evaluated: 2024-11-27. Review status: criteria provided, single submitter. Criteria: ACMG Guidelines, 2015. Collection method: clinical testing. Allele origin: germline.

Ambry Genetics
Classification: Uncertain significance for Inborn genetic diseases. Last evaluated: 2023-03-20. Review status: criteria provided, single submitter. Criteria: Ambry Variant Classification Scheme 2023. Collection method: clinical testing. Allele origin: germline.

Illumina Laboratory Services, Illumina
Classification: Likely benign for Hermansky-Pudlak syndrome 4. Last evaluated: 2018-01-12. Review status: criteria provided, single submitter. Criteria: ICSL Variant Classification Criteria 13 December 2019. Collection method: clinical testing. Allele origin: germline.
Comment: This variant was observed in the ICSL laboratory as part of a predisposition screen in an ostensibly healthy population. It had not been previously curated by ICSL or reported in the Human Gene Mutation Database (HGMD: prior to June 1st, 2018), and was therefore a candidate for classification through an automated scoring system. Utilizing variant allele frequency, disease prevalence and penetrance estimates, and inheritance mode, an automated score was calculated to assess if this variant is too frequent to cause the disease. Based on the score and internal cut-off values, a variant classified as likely benign is not then subjected to further curation. The score for this variant resulted in a classification of likely benign for this disease.

Clinical Genetics DNA and cytogenetics Diagnostics Lab, Erasmus MC, Erasmus Medical Center
Classification: Likely benign for Hermansky-Pudlak syndrome 4. Last evaluated: 2017-06-23. Review status: criteria provided, single submitter. Criteria: ACGS Guidelines, 2013. Collection method: clinical testing. Allele origin: germline. Affected: yes. Study: VKGL Data-share Consensus.

Eurofins Ntd Llc (ga)
Classification: Benign. Last evaluated: 2016-04-14. Review status: criteria provided, single submitter. Criteria: EGL Classification Definitions 2015. Collection method: clinical testing. Allele origin: germline. Observed: 1 variant allele, 1 heterozygote.

Genetic Services Laboratory, University of Chicago
Classification: Likely benign. Last evaluated: 2016-01-26. Review status: criteria provided, single submitter. Criteria: ACMG Guidelines, 2015. Collection method: clinical testing. Allele origin: germline. Affected: no.

Clinical Genetics, Academic Medical Center
Classification: Benign. Review status: no assertion criteria provided. Collection method: clinical testing. Allele origin: germline. Affected: yes. Study: VKGL Data-share Consensus. Not counted in ClinVar's aggregate classification.